The following is an entry in ClinVar:

NM_003504.5(CDC45):c.569A>G (p.Gln190Arg)

Gene: CDC45 (cell division cycle 45; plus strand). Cytogenetic location: 22q11.21.
Variant type: single nucleotide variant.
Coding change: c.569A>G on transcript NM_003504.5 (MANE Select); coding-DNA position 569, A replaced by G.
Protein change: p.Gln190Arg; replaces glutamine 190 with arginine.
Molecular consequence: missense variant. On other transcripts: non-coding transcript variant (1).
Genome position (GRCh38, 1-based): chr22:19,496,007, A>G. VCF-style: chr22-19496007-A-G. GRCh37 (hg19) VCF-style: chr22-19483530-A-G.
Other names: c.665A>G, p.Gln222Arg (NM_001178010.2); c.431A>G, p.Gln144Arg (NM_001178011.2); c.533A>G, p.Gln178Arg (NM_001369291.1); short protein forms Q178R, Q144R, Q190R, Q222R.
Identifiers: ClinVar variation 1519519 (VCV001519519.6), dbSNP rs1408081227, ClinGen allele CA410665278.

ClinVar aggregate classification (germline): Uncertain significance (1 of 4 stars; one submission).

Allele frequency attached by ClinVar (database versions not stated): gnomAD exomes below 0.00001; TOPMed below 0.00001; gnomAD 0.00001.
gnomAD v4.1: 2 of 1,611,048 alleles (0.00012%); highest among the groups gnomAD compares: Non-Finnish European, 0.00017%; no homozygotes.

Submission:

Labcorp Genetics (formerly Invitae), Labcorp
Classification: Uncertain significance. Last evaluated: 2025-10-06. Review status: criteria provided, single submitter. Criteria: Invitae Variant Classification Sherloc (09022015). Collection method: clinical testing. Allele origin: germline.
Comment: This sequence change replaces glutamine, which is neutral and polar, with arginine, which is basic and polar, at codon 222 of the CDC45 protein (p.Gln222Arg). This variant is not present in population databases (gnomAD no frequency). This variant has not been reported in the literature in individuals affected with CDC45-related conditions. ClinVar contains an entry for this variant (Variation ID: 1519519). An algorithm developed to predict the effect of missense changes on protein structure and function (PolyPhen-2) suggests that this variant is likely to be tolerated. In summary, the available evidence is currently insufficient to determine the role of this variant in disease. Therefore, it has been classified as a Variant of Uncertain Significance.